The following is an entry in ClinVar:

ClinVar aggregate classification (germline): Pathogenic (1 of 4 stars; one submission).

Submission:

Athena Diagnostics
Classification: Pathogenic. Last evaluated: 2019-12-05. Review status: criteria provided, single submitter. Criteria: Athena Diagnostics Criteria. Collection method: clinical testing. Allele origin: unknown.
Comment: The variant disrupts a cysteine residue in an EGF-like repeat domain, which is important for the structure of this protein. Therefore it is expected to severely affect the function of the protein. Found in at least one patient with expected phenotype for this gene, and not found in general population data.

NM_000435.3(NOTCH3):c.602G>T (p.Cys201Phe)

Gene: NOTCH3 (notch receptor 3; minus strand). Cytogenetic location: 19p13.12.
Variant type: single nucleotide variant.
Coding change: c.602G>T on transcript NM_000435.3 (MANE Select); coding-DNA position 602, G replaced by T.
Protein change: p.Cys201Phe; replaces cysteine 201 with phenylalanine.
Molecular consequence: missense variant.
Genome position (GRCh38, 1-based): chr19:15,192,037, C>A on the plus strand (G>T on the coding strand, the complement: NOTCH3 is on the minus strand). VCF-style: chr19-15192037-C-A. GRCh37 (hg19) VCF-style: chr19-15302848-C-A.
Other names: short protein forms C201F.
Identifiers: ClinVar variation 994839 (VCV000994839.1), dbSNP rs1555729468, ClinGen allele CA404533373.